The following is an entry in ClinVar:

NM_007215.4(POLG2):c.402dup (p.Pro135fs)

Genes: MILR1 (mast cell immunoglobulin like receptor 1; plus strand), POLG2 (DNA polymerase gamma 2, accessory subunit; minus strand). Cytogenetic location: 17q23.3.
Variant type: Duplication.
Coding change: c.402dup on transcript NM_007215.4 (MANE Select); coding-DNA position 402, one base duplicated (A; older notation c.402dupA).
Protein change: p.Pro135fs; shifts the reading frame from proline 135.
Molecular consequence: frameshift variant.
Genome position (GRCh38, 1-based): chr17:64,496,567, T duplicated on the plus strand (A on the coding strand, the reverse complement: POLG2 is on the minus strand); the first of 3 consecutive T bases (chr17:64,496,567-64,496,569); duplicating any one gives the same sequence. VCF-style (leftmost placement, unchanged base first): chr17-64496566-G-GT. GRCh37 (hg19) VCF-style: chr17-62492684-G-GT.
Other names: short protein forms P135fs.
Identifiers: ClinVar variation 2573981 (VCV002573981.1), dbSNP rs2509560479, ClinGen allele CA2580613215.

ClinVar aggregate classification (germline): Uncertain significance (1 of 4 stars; one submission).

Submission:

GeneDx
Classification: Uncertain significance. Last evaluated: 2023-01-19. Review status: criteria provided, single submitter. Criteria: GeneDx Variant Classification Process June 2021. Collection method: clinical testing. Allele origin: germline. Affected: yes.
Comment: Not observed at significant frequency in large population cohorts (gnomAD); Frameshift variant predicted to result in protein truncation or nonsense mediated decay in a gene or region of a gene for which loss of function is not a well-established mechanism of disease; Has not been previously published as pathogenic or benign to our knowledge